The following is an entry in ClinVar:

NM_004380.3(CREBBP):c.4806C>T (p.Arg1602=)

Gene: CREBBP (CREB binding lysine acetyltransferase; minus strand). Cytogenetic location: 16p13.3.
Variant type: single nucleotide variant.
Coding change: c.4806C>T on transcript NM_004380.3 (MANE Select); coding-DNA position 4806, C replaced by T.
Protein change: p.Arg1602=; no amino-acid change (arginine 1602 retained).
Molecular consequence: synonymous variant.
Genome position (GRCh38, 1-based): chr16:3,731,860, G>A on the plus strand (C>T on the coding strand, the complement: CREBBP is on the minus strand). VCF-style: chr16-3731860-G-A. GRCh37 (hg19) VCF-style: chr16-3781861-G-A.
Other names: c.4692C>T, p.Arg1564= (NM_001079846.1); c.4806C>T (NM_004380.2).
Identifiers: ClinVar variation 2746269 (VCV002746269.5), dbSNP rs1434579203, ClinGen allele CA493277324.
Genomic context (GRCh38, chr16:3,731,860, plus strand): 5'-ATACAGCTTCTGGGACAGGTCATTGGACACGTTGGGCATGCTGGGCTTCTTCTTGTTGGC[G>A]CGGCTGATGCTGCTTTTGTTCTTGTTGGTTTTCTTGTTGTTCTTCTTCTTGGCATTCTTG-3'
Protein context (NP_004371.2, residues 1592-1612): KTNKNKSSIS[Arg1602=]ANKKKPSMPN

ClinVar aggregate classification (germline): Benign. Review status: criteria provided, single submitter (1 of 4 stars). 2 submissions from 2 submitters: Benign (1). 1 of the submissions does not count toward it. Last evaluated 2025-11-28.

Conditions:
Rubinstein-Taybi syndrome (RSTS). Identifiers: Orphanet 783, MedGen C0035934, MONDO:0019188.
CREBBP-related disorder. Also called: CREBBP-related disorders; CREBBP-related condition.

Allele frequency attached by ClinVar (database versions not stated): gnomAD 0.00001; gnomAD exomes 0.00001; TOPMed 0.00005.
gnomAD v4.1: 15 of 1,614,136 alleles (0.00093%); highest among the groups gnomAD compares: South Asian, 0.0022%; no homozygotes.

Submissions (2):

Labcorp Genetics (formerly Invitae), Labcorp
Classification: Benign for Rubinstein-Taybi syndrome. Last evaluated: 2025-11-28. Review status: criteria provided, single submitter. Criteria: Invitae Variant Classification Sherloc (09022015). Collection method: clinical testing. Allele origin: germline.

PreventionGenetics, part of Exact Sciences
Classification: Likely benign for CREBBP-related condition. Last evaluated: 2022-09-27. Review status: no assertion criteria provided. Collection method: clinical testing. Allele origin: germline. Not counted in ClinVar's aggregate classification.
Comment: This variant is classified as likely benign based on ACMG/AMP sequence variant interpretation guidelines (Richards et al. 2015 PMID: 25741868, with internal and published modifications).